The following is an entry in ClinVar:

NM_000548.5(TSC2):c.2838-127C>T

Gene: TSC2 (TSC complex subunit 2; plus strand). Cytogenetic location: 16p13.3.
Variant type: single nucleotide variant.
Coding change: c.2838-127C>T on transcript NM_000548.5 (MANE Select); 127 bases into the intron before coding-DNA position 2838, C replaced by T.
Molecular consequence: intron variant.
Genome position (GRCh38, 1-based): chr16:2,077,471, C>T. VCF-style: chr16-2077471-C-T. GRCh37 (hg19) VCF-style: chr16-2127472-C-T.
Other names: c.1493+886C>T (NM_001406693.1, NM_001406690.1, NM_001406692.1 and 5 more transcripts); c.2927+886C>T (NM_001406667.1, NM_001406668.1); c.2238-127C>T (NM_001406680.1, NM_001406683.1, NM_001406682.1 and 1 more transcripts); c.2237+886C>T (NM_001406687.1, NM_001406685.1, NM_001318831.2 and 2 more transcripts); c.1494-127C>T (NM_001406689.1); c.1235+886C>T (NM_001406698.1); c.2838-127C>T (NM_001114382.3, NM_001406663.1, NM_001406664.1); c.2837+886C>T (NM_021055.3, NM_001370405.1, NM_001363528.2 and 3 more transcripts); and 8 more.
Identifiers: ClinVar variation 3032824 (VCV003032824.2), dbSNP rs950010841, ClinGen allele CA276743781.
Genomic context (GRCh38, chr16:2,077,471, plus strand): 5'-TTTGTTTTCTGTCTCTTCCCCGCTAACTGCCCTTTGGCATGGCTCTTTTTGCTCATCTCA[C>T]CCGCGGGATCTCTCCATCCTGACCCTGTGGCCTGGGACCTTTCCTCCTCACCCCTCCACT-3'

ClinVar aggregate classification (germline): Likely benign (0 of 4 stars; one submission).

Conditions:
TSC2-related disorder. Also called: TSC2-Related Disorders; TSC2-related condition.

Allele frequency attached by ClinVar (database versions not stated): TOPMed 0.00003.
gnomAD v4.1: 55 of 1,429,576 alleles (0.0038%); highest among the groups gnomAD compares: Non-Finnish European, 0.0049%; no homozygotes.

Submission:

PreventionGenetics, part of Exact Sciences
Classification: Likely benign for TSC2-related condition. Last evaluated: 2023-12-29. Review status: no assertion criteria provided. Collection method: clinical testing. Allele origin: germline.
Comment: This variant is classified as likely benign based on ACMG/AMP sequence variant interpretation guidelines (Richards et al. 2015 PMID: 25741868, with internal and published modifications).